The following is an entry in ClinVar:

ClinVar aggregate classification (germline): Likely pathogenic (1 of 4 stars; one submission).

Conditions:
ASXL3-related disorder. Also called: ASXL3-related condition. Identifiers: MedGen CN381524.

Submission:

PreventionGenetics, part of Exact Sciences
Classification: Likely pathogenic for ASXL3-related condition. Last evaluated: 2025-12-05. Review status: criteria provided, single submitter. Criteria: ACMG Guidelines, 2015. Collection method: clinical testing. Allele origin: germline.
Comment: The ASXL3 c.1107dupT variant is predicted to result in a frameshift and premature protein termination (p.Val370Cysfs*15). To our knowledge, this variant has not been reported in the literature or in a large population database (gnomAD), indicating this variant is rare. Frameshift variants in ASXL3 are expected to be pathogenic. This variant is interpreted as likely pathogenic.

NM_030632.3(ASXL3):c.1107dup (p.Val370fs)

Gene: ASXL3 (ASXL transcriptional regulator 3; plus strand). Cytogenetic location: 18q12.1.
Variant type: Duplication.
Coding change: c.1107dup on transcript NM_030632.3 (MANE Select); coding-DNA position 1107, one base duplicated (T; older notation c.1107dupT).
Protein change: p.Val370fs; shifts the reading frame from valine 370.
Molecular consequence: frameshift variant.
Genome position (GRCh38, 1-based): chr18:33,738,511, T duplicated. VCF-style (leftmost placement, unchanged base first): chr18-33738510-C-CT. GRCh37 (hg19) VCF-style: chr18-31318474-C-CT.
Other names: short protein forms V370fs.
Identifiers: ClinVar variation 4993964 (VCV004993964.1).